The following is an entry in ClinVar:

ClinVar aggregate classification (germline): Conflicting classifications of pathogenicity. Review status: criteria provided, conflicting classifications (1 of 4 stars). 3 submissions from 3 submitters: Uncertain significance (1); Likely benign (2). Last evaluated 2023-01-05.

Conditions:
Inborn genetic diseases. Identifiers: MedGen C0950123, MeSH D030342.

Allele frequency attached by ClinVar (database versions not stated): gnomAD 0.00006; TOPMed 0.00006; ExAC 0.00013.
gnomAD v4.1: 258 of 1,613,990 alleles (0.016%); highest among the groups gnomAD compares: Non-Finnish European, 0.021%; no homozygotes.

Submissions (3):

Labcorp Genetics (formerly Invitae), Labcorp
Classification: Uncertain significance. Last evaluated: 2023-01-05. Review status: criteria provided, single submitter. Criteria: Invitae Variant Classification Sherloc (09022015). Collection method: clinical testing. Allele origin: germline.
Comment: Advanced modeling of protein sequence and biophysical properties (such as structural, functional, and spatial information, amino acid conservation, physicochemical variation, residue mobility, and thermodynamic stability) performed at Invitae indicates that this missense variant is not expected to disrupt TCF12 protein function. This variant has not been reported in the literature in individuals affected with TCF12-related conditions. This variant is present in population databases (rs753036829, gnomAD 0.02%). This sequence change replaces asparagine, which is neutral and polar, with serine, which is neutral and polar, at codon 472 of the TCF12 protein (p.Asn472Ser). In summary, the available evidence is currently insufficient to determine the role of this variant in disease. Therefore, it has been classified as a Variant of Uncertain Significance.

Blueprint Genetics
Classification: Likely benign. Last evaluated: 2022-12-05. Review status: criteria provided, single submitter. Criteria: ACMG Guidelines, 2015. Collection method: clinical testing. Allele origin: germline.

Ambry Genetics
Classification: Likely benign for Inborn genetic diseases. Last evaluated: 2021-06-11. Review status: criteria provided, single submitter. Criteria: Ambry Variant Classification Scheme 2023. Collection method: clinical testing. Allele origin: germline.

NM_207037.2(TCF12):c.1415A>G (p.Asn472Ser)

Gene: TCF12 (transcription factor 12; plus strand). Cytogenetic location: 15q21.3.
Variant type: single nucleotide variant.
Coding change: c.1415A>G on transcript NM_207037.2 (MANE Select); coding-DNA position 1415, A replaced by G.
Protein change: p.Asn472Ser; replaces asparagine 472 with serine.
Molecular consequence: missense variant.
Genome position (GRCh38, 1-based): chr15:57,253,416, A>G. VCF-style: chr15-57253416-A-G. GRCh37 (hg19) VCF-style: chr15-57545614-A-G.
Other names: c.905A>G, p.Asn302Ser (NM_001306219.3); c.635A>G, p.Asn212Ser (NM_001306220.3); c.1415A>G, p.Asn472Ser (NM_001322151.2, NM_001322152.2, NM_001322159.3 and 2 more transcripts); c.758A>G, p.Asn253Ser (NM_001322154.2); c.1241A>G, p.Asn414Ser (NM_001322156.2); c.1343A>G, p.Asn448Ser (NM_001322157.3, NM_001322165.2, NM_003205.4 and 1 more transcripts); c.1169A>G, p.Asn390Ser (NM_001322158.2); c.1412A>G, p.Asn471Ser (NM_001322161.2); and 2 more; short protein forms N390S, N212S, N278S, N471S, N302S, N414S, N448S, N460S.
Identifiers: ClinVar variation 2370260 (VCV002370260.6), dbSNP rs753036829, ClinGen allele CA7581252.